The following is an entry in ClinVar:

NM_001286445.3(RIPOR2):c.2209C>A (p.Gln737Lys)

Gene: RIPOR2 (RHO family interacting cell polarization regulator 2; minus strand). Cytogenetic location: 6p22.3.
Variant type: single nucleotide variant.
Coding change: c.2209C>A on transcript NM_001286445.3 (MANE Select); coding-DNA position 2209, C replaced by A.
Protein change: p.Gln737Lys; replaces glutamine 737 with lysine.
Molecular consequence: missense variant.
Genome position (GRCh38, 1-based): chr6:24,832,391, G>T on the plus strand (C>A on the coding strand, the complement: RIPOR2 is on the minus strand). VCF-style: chr6-24832391-G-T. GRCh37 (hg19) VCF-style: chr6-24832619-G-T.
Other names: c.2122C>A, p.Gln708Lys (NM_001346031.2, NM_001346032.2); c.2272C>A, p.Gln758Lys (NM_014722.5); c.2272C>A (NM_014722.2); short protein forms Q708K, Q737K, Q758K.
Identifiers: ClinVar variation 3361788 (VCV003361788.3).

ClinVar aggregate classification (germline): Uncertain significance. Review status: criteria provided, multiple submitters, no conflicts (2 of 4 stars). 3 submissions from 3 submitters: Uncertain significance (3). Last evaluated 2025-10-07.

gnomAD v4.1: 3 of 1,551,926 alleles (0.00019%); highest among the groups gnomAD compares: Admixed American, 0.0039%; no homozygotes.

Submissions (3):

Ambry Genetics
Classification: Uncertain significance. Last evaluated: 2025-10-07. Review status: criteria provided, single submitter. Criteria: Ambry Variant Classification Scheme 2023. Collection method: clinical testing. Allele origin: germline.

Labcorp Genetics (formerly Invitae), Labcorp
Classification: Uncertain significance. Last evaluated: 2025-07-02. Review status: criteria provided, single submitter. Criteria: Invitae Variant Classification Sherloc (09022015). Collection method: clinical testing. Allele origin: germline.
Comment: This sequence change replaces glutamine, which is neutral and polar, with lysine, which is basic and polar, at codon 758 of the FAM65B protein (p.Gln758Lys). This variant is not present in population databases (gnomAD no frequency). This variant has not been reported in the literature in individuals affected with FAM65B-related conditions. ClinVar contains an entry for this variant (Variation ID: 3361788). An algorithm developed to predict the effect of missense changes on protein structure and function (PolyPhen-2) suggests that this variant is likely to be disruptive. In summary, the available evidence is currently insufficient to determine the role of this variant in disease. Therefore, it has been classified as a Variant of Uncertain Significance.

GeneDx
Classification: Uncertain significance. Last evaluated: 2024-04-03. Review status: criteria provided, single submitter. Criteria: GeneDx Variant Classification Process June 2021. Collection method: clinical testing. Allele origin: germline. Affected: yes.
Comment: Not observed at significant frequency in large population cohorts (gnomAD); In silico analysis supports that this missense variant does not alter protein structure/function; Has not been previously published as pathogenic or benign to our knowledge; Variants in candidate genes are classified as variants of uncertain significance in accordance with ACMG guidelines (Richards et al., 2015)